The following is an entry in ClinVar:

ClinVar aggregate classification (germline): Uncertain significance. Review status: criteria provided, multiple submitters, no conflicts (2 of 4 stars). 2 submissions from 2 submitters: Uncertain significance (2). Last evaluated 2025-05-01.

Conditions:
Hereditary cancer-predisposing syndrome. Also called: Neoplastic Syndromes, Hereditary; Tumor predisposition; Hereditary neoplastic syndrome; Hereditary Cancer Syndrome. Identifiers: Orphanet 140162, MedGen C0027672, MeSH D009386, MONDO:0015356.
Familial adenomatous polyposis 1 (FAP1). Also called: POLYPOSIS, ADENOMATOUS INTESTINAL; FAMILIAL ADENOMATOUS POLYPOSIS 1, ATTENUATED. Identifiers: MedGen C2713442, MONDO:0021056, OMIM 175100. Disease mechanism: loss of function.

Allele frequency attached by ClinVar (database versions not stated): gnomAD exomes below 0.00001.

Submissions (2):

Labcorp Genetics (formerly Invitae), Labcorp
Classification: Uncertain significance for Familial adenomatous polyposis 1. Last evaluated: 2025-05-01. Review status: criteria provided, single submitter. Criteria: Invitae Variant Classification Sherloc (09022015). Collection method: clinical testing. Allele origin: germline.
Comment: This sequence change replaces glycine, which is neutral and non-polar, with arginine, which is basic and polar, at codon 132 of the APC protein (p.Gly132Arg). This variant is not present in population databases (gnomAD no frequency). This variant has not been reported in the literature in individuals affected with APC-related conditions. ClinVar contains an entry for this variant (Variation ID: 824415). Invitae Evidence Modeling of protein sequence and biophysical properties (such as structural, functional, and spatial information, amino acid conservation, physicochemical variation, residue mobility, and thermodynamic stability) indicates that this missense variant is not expected to disrupt APC protein function with a negative predictive value of 95%. RNA analysis performed to evaluate the impact of this missense change on mRNA splicing indicates it does not significantly alter splicing (internal data). In summary, the available evidence is currently insufficient to determine the role of this variant in disease. Therefore, it has been classified as a Variant of Uncertain Significance.

Ambry Genetics
Classification: Uncertain significance for Hereditary cancer-predisposing syndrome. Last evaluated: 2024-11-18. Review status: criteria provided, single submitter. Criteria: Ambry Variant Classification Scheme 2023. Collection method: clinical testing. Allele origin: germline.
Comment: The p.G132R variant (also known as c.394G>A), located in coding exon 3 of the APC gene, results from a G to A substitution at nucleotide position 394. The glycine at codon 132 is replaced by arginine, an amino acid with dissimilar properties. This amino acid position is highly conserved in available vertebrate species. In addition, in silico predictors for this gene do not accurately predict pathogenicity. Since supporting evidence is limited at this time, the clinical significance of this alteration remains unclear.

NM_000038.6(APC):c.394G>A (p.Gly132Arg)

Gene: APC (APC regulator of Wnt signaling pathway; plus strand). Cytogenetic location: 5q22.2.
Variant type: single nucleotide variant.
Coding change: c.394G>A on transcript NM_000038.6 (MANE Select); coding-DNA position 394, G replaced by A.
Protein change: p.Gly132Arg; replaces glycine 132 with arginine.
Molecular consequence: missense variant. On other transcripts: 5 prime UTR variant (1).
Genome position (GRCh38, 1-based): chr5:112,767,362, G>A. VCF-style: chr5-112767362-G-A. GRCh37 (hg19) VCF-style: chr5-112103059-G-A.
Other names: c.394G>A, p.Gly132Arg (NM_001127510.3, NM_001354895.2, NM_001354896.2 and 2 more transcripts); c.424G>A, p.Gly142Arg (NM_001127511.3, NM_001354897.2, NM_001354902.2); c.319G>A, p.Gly107Arg (NM_001354898.2, NM_001354904.2); c.217G>A, p.Gly73Arg (NM_001354900.2, NM_001354901.2, NM_001354905.2); c.-642G>A (NM_001354906.2); short protein forms G107R, G132R, G73R, G142R.
Identifiers: ClinVar variation 824415 (VCV000824415.16), dbSNP rs1580329638, ClinGen allele CA16022178.